The following is an entry in ClinVar:

ClinVar aggregate classification (germline): Uncertain significance (1 of 4 stars; one submission).

Conditions:
MGAT2-congenital disorder of glycosylation. Also called: MENTAL RETARDATION, GROWTH RETARDATION, PROMINENT COLUMELLA, AND OPEN MOUTH; Alkuraya syndrome; Congenital disorder of glycosylation, type IIa; MGAT2-CDG; CDG IIa. Identifiers: Orphanet 79329, MedGen C2931008, MONDO:0008908, OMIM 212066.

gnomAD v4.1: 23 of 1,611,016 alleles (0.0014%); highest among the groups gnomAD compares: African/African-American, 0.028%; no homozygotes.

Submission:

Labcorp Genetics (formerly Invitae), Labcorp
Classification: Uncertain significance for MGAT2-congenital disorder of glycosylation. Last evaluated: 2025-03-06. Review status: criteria provided, single submitter. Criteria: Invitae Variant Classification Sherloc (09022015). Collection method: clinical testing. Allele origin: germline.
Comment: This sequence change replaces proline, which is neutral and non-polar, with leucine, which is neutral and non-polar, at codon 77 of the MGAT2 protein (p.Pro77Leu). This variant is present in population databases (rs372538664, gnomAD 0.04%). This variant has not been reported in the literature in individuals affected with MGAT2-related conditions. Invitae Evidence Modeling of protein sequence and biophysical properties (such as structural, functional, and spatial information, amino acid conservation, physicochemical variation, residue mobility, and thermodynamic stability) indicates that this missense variant is not expected to disrupt MGAT2 protein function with a negative predictive value of 80%. In summary, the available evidence is currently insufficient to determine the role of this variant in disease. Therefore, it has been classified as a Variant of Uncertain Significance.

NM_002408.4(MGAT2):c.230C>T (p.Pro77Leu)

Gene: MGAT2 (alpha-1,6-mannosyl-glycoprotein 2-beta-N-acetylglucosaminyltransferase; plus strand). Cytogenetic location: 14q21.3.
Variant type: single nucleotide variant.
Coding change: c.230C>T on transcript NM_002408.4 (MANE Select); coding-DNA position 230, C replaced by T.
Protein change: p.Pro77Leu; replaces proline 77 with leucine.
Molecular consequence: missense variant.
Genome position (GRCh38, 1-based): chr14:49,621,498, C>T. VCF-style: chr14-49621498-C-T. GRCh37 (hg19) VCF-style: chr14-50088216-C-T.
Other names: short protein forms P77L.
Identifiers: ClinVar variation 4748411 (VCV004748411.1).